The following is an entry in ClinVar:

ClinVar aggregate classification (germline): Likely pathogenic. Review status: criteria provided, multiple submitters, no conflicts (2 of 4 stars). 2 submissions from 2 submitters: Likely pathogenic (2). Last evaluated 2025-05-01.

Conditions:
HSD17B4-related disorder. Also called: HSD17B4-related condition; HSD17B4-related disorders.
Perrault syndrome 1 (PRLTS1). Also called: GONADAL DYSGENESIS, XX TYPE, WITH DEAFNESS; OVARIAN DYSGENESIS WITH SENSORINEURAL DEAFNESS. Identifiers: Orphanet 2855, Orphanet 642945, MedGen C4551721, MONDO:0009300, OMIM 233400.

Submissions (2):

PreventionGenetics, part of Exact Sciences
Classification: Likely pathogenic for HSD17B4-related condition. Last evaluated: 2025-05-01. Review status: criteria provided, single submitter. Criteria: ACMG Guidelines, 2015. Collection method: clinical testing. Allele origin: germline.
Comment: The HSD17B4 c.1767G>A variant is not predicted to result in an amino acid change (p.=). This variant has been reported in the homozygous state in an individual with severe to profound hearing loss, but no syndromic signs (Abu Rayyan et al 2020. PubMed ID: 32747562). RNA analysis from this patient confirms there is a splicing defect that results in two abnormal mRNA products (See Table S5 in Abu Rayyan et al 2020. PubMed ID: 32747562). This variant has not been reported in a large population database (gnomAD), indicating this variant is rare. This variant is interpreted as likely pathogenic.

King Laboratory, University of Washington
Classification: Likely pathogenic for Perrault syndrome 1. Last evaluated: 2020-08-01. Review status: criteria provided, single submitter. Criteria: Abu Rayyan A et al. (Proc Natl Acad Sci U S A 2020). Collection method: research. Allele origin: germline. Affected: yes.
Comment: Analysis of patient-derived RNA indicates that HSD17B4 c.1842G>A disrupts the splice donor of HSD17B4 exon 21, leading to two abnormal messages: (1) loss of exon 21 (87bp), with loss of aa 586-614 from the hydratase domain of HSD17B4; (2) from a cryptic splice donor in intron 21, insertion of 69bp in message and inframe stop at codon 616. A minor component of normal message was also observed in the homozygous patient (Abu Rayyan 2020). The mild phenotype may be due to the "leakiness" of the splice and residual normal message. The variant was absent from 1300 Palestinian controls and absent from public databases.

NM_000414.4(HSD17B4):c.1767G>A (p.Lys589=)

Gene: HSD17B4 (hydroxysteroid 17-beta dehydrogenase 4; plus strand). Cytogenetic location: 5q23.1.
Variant type: single nucleotide variant.
Coding change: c.1767G>A on transcript NM_000414.4 (MANE Select); coding-DNA position 1767, G replaced by A.
Protein change: p.Lys589=; no amino-acid change (lysine 589 retained).
Molecular consequence: synonymous variant. On other transcripts: non-coding transcript variant (2).
Genome position (GRCh38, 1-based): chr5:119,527,219, G>A. VCF-style: chr5-119527219-G-A. GRCh37 (hg19) VCF-style: chr5-118862914-G-A.
Other names: NM_001199291.1:c.1842G>A, p.(=); c.1767G>A (NM_000414.3); c.1842G>A, p.Lys614= (NM_001199291.3); c.1713G>A, p.Lys571= (NM_001199292.2); c.1695G>A, p.Lys565= (NM_001292027.2, NM_001374498.1); c.1347G>A, p.Lys449= (NM_001292028.2); c.1758G>A, p.Lys586= (NM_001374497.1); c.1440G>A, p.Lys480= (NM_001374499.1); and 2 more.
Identifiers: ClinVar variation 1299314 (VCV001299314.3), dbSNP rs142527052, ClinGen allele CA446036758.